The following is an entry in ClinVar:

NM_030632.3(ASXL3):c.1654C>T (p.His552Tyr)

Gene: ASXL3 (ASXL transcriptional regulator 3; plus strand). Cytogenetic location: 18q12.1.
Variant type: single nucleotide variant.
Coding change: c.1654C>T on transcript NM_030632.3 (MANE Select); coding-DNA position 1654, C replaced by T.
Protein change: p.His552Tyr; replaces histidine 552 with tyrosine.
Molecular consequence: missense variant.
Genome position (GRCh38, 1-based): chr18:33,739,058, C>T. VCF-style: chr18-33739058-C-T. GRCh37 (hg19) VCF-style: chr18-31319022-C-T.
Other names: c.1654C>T (NM_030632.2); short protein forms H552Y.
Identifiers: ClinVar variation 210366 (VCV000210366.11), dbSNP rs200334892, ClinGen allele CA206097.

ClinVar aggregate classification (germline): Benign/Likely benign. Review status: criteria provided, multiple submitters, no conflicts (2 of 4 stars). 4 submissions from 4 submitters: Benign (2); Likely benign (1). 1 of the submissions does not count toward it. Last evaluated 2021-12-05.

Conditions:
ASXL3-related disorder. Also called: ASXL3-related condition. Identifiers: MedGen CN381524.
Bainbridge-Ropers syndrome. Also called: Severe feeding difficulties-failure to thrive-microcephaly due to ASXL3 deficiency syndrome. Identifiers: Orphanet 352577, MedGen C4750837, MONDO:0014205, OMIM 615485.

Allele frequency attached by ClinVar (database versions not stated): gnomAD 0.00004 and 0.00018; TOPMed 0.00007; gnomAD exomes 0.00035 and 0.00079; ExAC 0.00074; 1000 Genomes Project 30x 0.00172; 1000 Genomes Project 0.00200.
gnomAD v4.1: 541 of 1,613,388 alleles (0.034%); highest among the groups gnomAD compares: South Asian, 0.54%; 6 homozygotes.

Submissions (4):

Genome-Nilou Lab
Classification: Benign for Bainbridge-Ropers syndrome. Last evaluated: 2021-12-05. Review status: criteria provided, single submitter. Criteria: ACMG Guidelines, 2015. Collection method: clinical testing. Allele origin: germline. Affected: no.

GeneDx
Classification: Benign. Last evaluated: 2020-12-04. Review status: criteria provided, single submitter. Criteria: GeneDx Variant Classification Process June 2021. Collection method: clinical testing. Allele origin: germline. Affected: yes.

Genetic Services Laboratory, University of Chicago
Classification: Likely benign. Last evaluated: 2015-04-02. Review status: criteria provided, single submitter. Criteria: ACMG Guidelines, 2015. Collection method: clinical testing. Allele origin: germline.

PreventionGenetics, part of Exact Sciences
Classification: Benign for ASXL3-related condition. Last evaluated: 2024-01-05. Review status: no assertion criteria provided. Collection method: clinical testing. Allele origin: germline. Not counted in ClinVar's aggregate classification.
Comment: This variant is classified as benign based on ACMG/AMP sequence variant interpretation guidelines (Richards et al. 2015 PMID: 25741868, with internal and published modifications).